The following is an entry in ClinVar:

ClinVar aggregate classification (germline): Uncertain significance (1 of 4 stars; one submission).

Conditions:
Baller-Gerold syndrome (BGS). Also called: CRANIOSYNOSTOSIS WITH RADIAL DEFECTS. Identifiers: Orphanet 1225, MedGen C0265308, MONDO:0009039, OMIM 218600.

Allele frequency attached by ClinVar (database versions not stated): gnomAD exomes below 0.00001; gnomAD 0.00001; TOPMed 0.00001.

Submission:

Labcorp Genetics (formerly Invitae), Labcorp
Classification: Uncertain significance for Baller-Gerold syndrome. Last evaluated: 2023-01-13. Review status: criteria provided, single submitter. Criteria: Invitae Variant Classification Sherloc (09022015). Collection method: clinical testing. Allele origin: germline.
Comment: This sequence change falls in intron 10 of the RECQL4 gene. It does not directly change the encoded amino acid sequence of the RECQL4 protein. It affects a nucleotide within the consensus splice site. In summary, the available evidence is currently insufficient to determine the role of this variant in disease. Therefore, it has been classified as a Variant of Uncertain Significance. Variants that disrupt the consensus splice site are a relatively common cause of aberrant splicing (PMID: 17576681, 9536098). Algorithms developed to predict the effect of sequence changes on RNA splicing suggest that this variant is not likely to affect RNA splicing. ClinVar contains an entry for this variant (Variation ID: 937281). This variant has not been reported in the literature in individuals affected with RECQL4-related conditions. This variant is not present in population databases (gnomAD no frequency).

Literature cited by the submitters: PubMed 17576681; PubMed 9536098.

NM_004260.4(RECQL4):c.1704+3G>C

Gene: RECQL4 (RecQ like helicase 4; minus strand). Cytogenetic location: 8q24.3.
Variant type: single nucleotide variant.
Coding change: c.1704+3G>C on transcript NM_004260.4 (MANE Select); 3 bases into the intron after coding-DNA position 1704, G replaced by C.
Molecular consequence: intron variant.
Genome position (GRCh38, 1-based): chr8:144,514,439, C>G on the plus strand (G>C on the coding strand, the complement: RECQL4 is on the minus strand). VCF-style: chr8-144514439-C-G. GRCh37 (hg19) VCF-style: chr8-145739823-C-G.
Identifiers: ClinVar variation 937281 (VCV000937281.6), dbSNP rs1210896009, ClinGen allele CA848888105.